The following is an entry in ClinVar:

ClinVar aggregate classification (germline): Uncertain significance (1 of 4 stars; one submission).

Allele frequency attached by ClinVar (database versions not stated): gnomAD exomes below 0.00001.
gnomAD v4.1: 6 of 1,614,004 alleles (0.00037%); highest among the groups gnomAD compares: Non-Finnish European, 0.00042%; no homozygotes.

Submission:

Labcorp Genetics (formerly Invitae), Labcorp
Classification: Uncertain significance. Last evaluated: 2025-04-23. Review status: criteria provided, single submitter. Criteria: Invitae Variant Classification Sherloc (09022015). Collection method: clinical testing. Allele origin: germline.
Comment: This sequence change replaces serine, which is neutral and polar, with asparagine, which is neutral and polar, at codon 939 of the CACNA1E protein (p.Ser939Asn). This variant is present in population databases (no rsID available, gnomAD 0.003%). This variant has not been reported in the literature in individuals affected with CACNA1E-related conditions. ClinVar contains an entry for this variant (Variation ID: 1933399). Invitae Evidence Modeling of protein sequence and biophysical properties (such as structural, functional, and spatial information, amino acid conservation, physicochemical variation, residue mobility, and thermodynamic stability) has been performed for this missense variant. However, the output from this modeling did not meet the statistical confidence thresholds required to predict the impact of this variant on CACNA1E protein function. In summary, the available evidence is currently insufficient to determine the role of this variant in disease. Therefore, it has been classified as a Variant of Uncertain Significance.

NM_001205293.3(CACNA1E):c.2816G>A (p.Ser939Asn)

Gene: CACNA1E (calcium voltage-gated channel subunit alpha1 E; plus strand). Cytogenetic location: 1q25.3.
Variant type: single nucleotide variant.
Coding change: c.2816G>A on transcript NM_001205293.3 (MANE Select); coding-DNA position 2816, G replaced by A.
Protein change: p.Ser939Asn; replaces serine 939 with asparagine.
Molecular consequence: missense variant.
Genome position (GRCh38, 1-based): chr1:181,732,902, G>A. VCF-style: chr1-181732902-G-A. GRCh37 (hg19) VCF-style: chr1-181702038-G-A.
Other names: c.2816G>A, p.Ser939Asn (NM_000721.4); c.2759G>A, p.Ser920Asn (NM_001205294.2); short protein forms S920N, S939N.
Identifiers: ClinVar variation 1933399 (VCV001933399.5), dbSNP rs1482138540, ClinGen allele CA343619075.
Genomic context (GRCh38, chr1:181,732,902, plus strand): 5'-GGCGCAGCCGGCATCGCCGCGTCAGGACAGAAGGCAAGGAGTCCTCTTCAGCCTCCCGGA[G>A]CAGGTCTGCCAGCCAGGAACGCAGTCTGGATGAAGCCATGCCCACTGAAGGGGAGAAGGA-3'
Protein context (NP_001192222.1, residues 929-949): EGKESSSASR[Ser939Asn]RSASQERSLD